The following is an entry in ClinVar:

ClinVar aggregate classification (germline): Uncertain significance. Review status: criteria provided, multiple submitters, no conflicts (2 of 4 stars). 2 submissions from 2 submitters: Uncertain significance (2). Last evaluated 2026-08-12.

Conditions:
PHIP-related disorder. Also called: PHIP-related disorders; PHIP-related condition.
Inborn genetic diseases. Identifiers: MedGen C0950123, MeSH D030342.

gnomAD v4.1: 1 of 1,612,632 alleles (0.000062%); highest among the groups gnomAD compares: Non-Finnish European, 0.000085%; no homozygotes.

Submissions (2):

PreventionGenetics, part of Exact Sciences
Classification: Uncertain significance for PHIP-related condition. Last evaluated: 2026-08-12. Review status: criteria provided, single submitter. Criteria: ACMG Guidelines, 2015. Collection method: clinical testing. Allele origin: germline.
Comment: The PHIP c.3622A>G variant is predicted to result in the amino acid substitution p.Thr1208Ala. To our knowledge, this variant has not been reported in the literature or in a large population database (gnomAD), indicating this variant is rare. At this time, the clinical significance of this variant is uncertain due to the absence of conclusive functional and genetic evidence.

Ambry Genetics
Classification: Uncertain significance for Inborn genetic diseases. Last evaluated: 2026-05-27. Review status: criteria provided, single submitter. Criteria: Ambry Variant Classification Scheme 2023. Collection method: clinical testing. Allele origin: germline.

NM_017934.7(PHIP):c.3622A>G (p.Thr1208Ala)

Genes: IRAK1BP1 (interleukin 1 receptor associated kinase 1 binding protein 1; plus strand), PHIP (PHIP subunit of CUL4-Ring ligase complex; minus strand). Cytogenetic location: 6q14.1.
Variant type: single nucleotide variant.
Coding change: c.3622A>G on transcript NM_017934.7 (MANE Select); coding-DNA position 3622, A replaced by G.
Protein change: p.Thr1208Ala; replaces threonine 1208 with alanine.
Molecular consequence: missense variant.
Genome position (GRCh38, 1-based): chr6:78,961,724, T>C on the plus strand (A>G on the coding strand, the complement: PHIP is on the minus strand). VCF-style: chr6-78961724-T-C. GRCh37 (hg19) VCF-style: chr6-79671441-T-C.
Other names: c.3622A>G (NM_017934.6); short protein forms T1208A.
Identifiers: ClinVar variation 4861784 (VCV004861784.2).
Genomic context (GRCh38, chr6:78,961,724, plus strand): 5'-TAGTAGCTACATCAAATGGTTCTAACCTGTAAAACCTGTTTTCCAGTCTTTGTTTAATTG[T>C]ACTTAGATCCGTTGGATATGCCACTACTGTGCAATACATGGGATAGGCTTGCAGATCCAC-3'
Protein context (NP_060404.4, residues 1198-1218): TVVAYPTDLS[Thr1208Ala]IKQRLENRFY